The following is an entry in ClinVar:

ClinVar aggregate classification (germline): Uncertain significance. Review status: criteria provided, multiple submitters, no conflicts (2 of 4 stars). 3 submissions from 3 submitters: Uncertain significance (3). Last evaluated 2025-12-26.

Conditions:
Hereditary cancer-predisposing syndrome. Also called: Tumor predisposition; Hereditary neoplastic syndrome; Neoplastic Syndromes, Hereditary; Hereditary Cancer Syndrome. Identifiers: Orphanet 140162, MedGen C0027672, MeSH D009386, MONDO:0015356.
Breast-ovarian cancer, familial, susceptibility to, 2 (BROVCA2). Also called: BRCA2 Hereditary Breast and Ovarian Cancer. Identifiers: Orphanet 145, MedGen C2675520, MONDO:0012933, OMIM 612555. Disease mechanism: loss of function.

Submissions (3):

Dasa
Classification: Uncertain significance for Breast-ovarian cancer, familial, susceptibility to, 2. Last evaluated: 2025-12-26. Review status: criteria provided, single submitter. Criteria: DASA Assertion Criteria. Collection method: clinical testing. Allele origin: germline.
Comment: NM_000059.4(BRCA2):c.9917C>A (p.Thr3306Asn) is a missense variant that results in the substitution of threonine with asparagine. This variant is rare in population databases. The currently available literature and clinical evidence are not sufficient to establish a definitive association between this variant and the reported condition. Therefore, this variant is classified as a variant of uncertain significance.

Color Diagnostics, LLC DBA Color Health
Classification: Uncertain significance for Hereditary cancer-predisposing syndrome. Last evaluated: 2022-04-18. Review status: criteria provided, single submitter. Criteria: ACMG Guidelines, 2015. Collection method: clinical testing. Allele origin: germline.
Comment: This missense variant replaces threonine with asparagine at codon 3306 of the BRCA2 protein. Computational prediction suggests that this variant may not impact protein structure and function (internally defined REVEL score threshold <= 0.5, PMID: 27666373). To our knowledge, functional studies have not been reported for this variant. This variant has not been reported in individuals affected with hereditary cancer in the literature. This variant has not been identified in the general population by the Genome Aggregation Database (gnomAD). The available evidence is insufficient to determine the role of this variant in disease conclusively. Therefore, this variant is classified as a Variant of Uncertain Significance.

Ambry Genetics
Classification: Uncertain significance for Hereditary cancer-predisposing syndrome. Last evaluated: 2016-01-06. Review status: criteria provided, single submitter. Criteria: Ambry Variant Classification Scheme 2023. Collection method: clinical testing. Allele origin: germline.
Comment: The p.T3306N variant (also known as c.9917C>A), located in coding exon 26 of the BRCA2 gene, results from a C to A substitution at nucleotide position 9917. The threonine at codon 3306 is replaced by asparagine, an amino acid with similar properties. This variant was not reported in population based cohorts in the following databases: Database of Single Nucleotide Polymorphisms (dbSNP), NHLBI Exome Sequencing Project (ESP), and 1000 Genomes Project. In the ESP, this variant was not observed in 6503 samples (13006 alleles) with coverage at this position. To date, this alteration has been detected with an allele frequency of approximately 0.0004% (greater than 225000 alleles tested) in our clinical cohort. This amino acid position is not well conserved in available vertebrate species. In addition, this alteration is predicted to be tolerated by in silico analysis. Since supporting evidence is limited at this time, the clinical significance of p.T3306N remains unclear.

NM_000059.4(BRCA2):c.9917C>A (p.Thr3306Asn)

Gene: BRCA2 (BRCA2 DNA repair associated; plus strand). Cytogenetic location: 13q13.1.
Variant type: single nucleotide variant.
Coding change: c.9917C>A on transcript NM_000059.4 (MANE Select); coding-DNA position 9917, C replaced by A.
Protein change: p.Thr3306Asn; replaces threonine 3306 with asparagine.
Molecular consequence: missense variant.
Genome position (GRCh38, 1-based): chr13:32,398,430, C>A. VCF-style: chr13-32398430-C-A. GRCh37 (hg19) VCF-style: chr13-32972567-C-A.
Other names: short protein forms T3306N.
Identifiers: ClinVar variation 482995 (VCV000482995.9), dbSNP rs80359250, ClinGen allele CA387767033.